The following is an entry in ClinVar:

NM_001039213.4(CEACAM16):c.999C>A (p.Asp333Glu)

Genes: CEACAM16 (CEA cell adhesion molecule 16, tectorial membrane component; plus strand), CEACAM16-AS1 (CEACAM16, CEACAM19 and PVR antisense RNA 1; minus strand). Cytogenetic location: 19q13.32.
Variant type: single nucleotide variant.
Coding change: c.999C>A on transcript NM_001039213.4 (MANE Select); coding-DNA position 999, C replaced by A.
Protein change: p.Asp333Glu; replaces aspartic acid 333 with glutamic acid.
Molecular consequence: missense variant.
Genome position (GRCh38, 1-based): chr19:44,707,919, C>A. VCF-style: chr19-44707919-C-A. GRCh37 (hg19) VCF-style: chr19-45211191-C-A.
Other names: short protein forms D333E.
Identifiers: ClinVar variation 1509325 (VCV001509325.8), dbSNP rs200767877, ClinGen allele CA406293112.
Genomic context (GRCh38, chr19:44,707,919, plus strand): 5'-AGCTGCAGCAGTTGCCACGATGATCGTGCCCGTGCCCACCAAGCCAACGGAGGGCCAGGA[C>A]GTAACACTGACCGTGCAGGGCTACCCCAAGGACCTGCTGGTCTACGCCTGGTACCGCGGG-3'
Protein context (NP_001034302.2, residues 323-343): PVPTKPTEGQ[Asp333Glu]VTLTVQGYPK

ClinVar aggregate classification (germline): Uncertain significance (1 of 4 stars; one submission).

gnomAD v4.1: 8 of 1,586,872 alleles (0.0005%); highest among the groups gnomAD compares: Non-Finnish European, 0.000086%; no homozygotes.

Submission:

Labcorp Genetics (formerly Invitae), Labcorp
Classification: Uncertain significance. Last evaluated: 2023-12-07. Review status: criteria provided, single submitter. Criteria: Invitae Variant Classification Sherloc (09022015). Collection method: clinical testing. Allele origin: germline.
Comment: This sequence change replaces aspartic acid, which is acidic and polar, with glutamic acid, which is acidic and polar, at codon 333 of the CEACAM16 protein (p.Asp333Glu). This variant is present in population databases (no rsID available, gnomAD 0.02%). This variant has not been reported in the literature in individuals affected with CEACAM16-related conditions. ClinVar contains an entry for this variant (Variation ID: 1509325). Advanced modeling of protein sequence and biophysical properties (such as structural, functional, and spatial information, amino acid conservation, physicochemical variation, residue mobility, and thermodynamic stability) performed at Invitae indicates that this missense variant is not expected to disrupt CEACAM16 protein function with a negative predictive value of 80%. In summary, the available evidence is currently insufficient to determine the role of this variant in disease. Therefore, it has been classified as a Variant of Uncertain Significance.